The following is an entry in ClinVar:

ClinVar aggregate classification (germline): Uncertain significance. Review status: criteria provided, multiple submitters, no conflicts (2 of 4 stars). 3 submissions from 3 submitters: Uncertain significance (3). Last evaluated 2025-05-08.

Conditions:
Familial cancer of breast. Also called: hereditary breast carcinoma; Hereditary breast cancer; BREAST CANCER, FAMILIAL. Identifiers: Orphanet 227535, MedGen C0346153, MONDO:0016419, OMIM 114480. Disease mechanism: loss of function.
Hereditary cancer-predisposing syndrome. Also called: Tumor predisposition; Hereditary neoplastic syndrome; Neoplastic Syndromes, Hereditary; Hereditary Cancer Syndrome. Identifiers: Orphanet 140162, MedGen C0027672, MeSH D009386, MONDO:0015356.

Allele frequency attached by ClinVar (database versions not stated): TOPMed below 0.00001; gnomAD 0.00001.
gnomAD v4.1: 1 of 1,595,160 alleles (0.000063%); highest among the groups gnomAD compares: African/African-American, 0.0013%; no homozygotes.

Submissions (3):

Women's Health and Genetics/Laboratory Corporation of America, LabCorp
Classification: Uncertain significance. Last evaluated: 2025-05-08. Review status: criteria provided, single submitter. Criteria: LabCorp Variant Classification Summary - May 2015. Collection method: clinical testing. Allele origin: germline.

Labcorp Genetics (formerly Invitae), Labcorp
Classification: Uncertain significance for Familial cancer of breast. Last evaluated: 2024-11-05. Review status: criteria provided, single submitter. Criteria: Invitae Variant Classification Sherloc (09022015). Collection method: clinical testing. Allele origin: germline.
Comment: This sequence change replaces glutamic acid, which is acidic and polar, with aspartic acid, which is acidic and polar, at codon 501 of the CHEK2 protein (p.Glu501Asp). This variant is not present in population databases (gnomAD no frequency). This variant has not been reported in the literature in individuals affected with CHEK2-related conditions. ClinVar contains an entry for this variant (Variation ID: 819403). An algorithm developed to predict the effect of missense changes on protein structure and function (PolyPhen-2) suggests that this variant is likely to be tolerated. In summary, the available evidence is currently insufficient to determine the role of this variant in disease. Therefore, it has been classified as a Variant of Uncertain Significance.

Ambry Genetics
Classification: Uncertain significance for Hereditary cancer-predisposing syndrome. Last evaluated: 2019-06-18. Review status: criteria provided, single submitter. Criteria: Ambry Variant Classification Scheme 2023. Collection method: clinical testing. Allele origin: germline.
Comment: The p.E501D variant (also known as c.1503G>T), located in coding exon 13 of the CHEK2 gene, results from a G to T substitution at nucleotide position 1503. The glutamic acid at codon 501 is replaced by aspartic acid, an amino acid with highly similar properties. This amino acid position is not well conserved in available vertebrate species. In addition, this alteration is predicted to be tolerated by in silico analysis. Since supporting evidence is limited at this time, the clinical significance of this alteration remains unclear.

NM_007194.4(CHEK2):c.1503G>T (p.Glu501Asp)

Gene: CHEK2 (checkpoint kinase 2; minus strand). Cytogenetic location: 22q12.1.
Variant type: single nucleotide variant.
Coding change: c.1503G>T on transcript NM_007194.4 (MANE Select); coding-DNA position 1503, G replaced by T.
Protein change: p.Glu501Asp; replaces glutamic acid 501 with aspartic acid.
Molecular consequence: missense variant.
Genome position (GRCh38, 1-based): chr22:28,689,174, C>A on the plus strand (G>T on the coding strand, the complement: CHEK2 is on the minus strand). VCF-style: chr22-28689174-C-A. GRCh37 (hg19) VCF-style: chr22-29085162-C-A.
Other names: c.1632G>T, p.Glu544Asp (NM_001005735.3); c.840G>T, p.Glu280Asp (NM_001257387.3); c.1302G>T, p.Glu434Asp (NM_001349956.3); c.1416G>T, p.Glu472Asp (NM_145862.3); short protein forms E280D, E434D, E544D, E472D, E501D.
Identifiers: ClinVar variation 819403 (VCV000819403.7), dbSNP rs1060502721, ClinGen allele CA411092417.